The following is an entry in ClinVar:

NM_017654.4(SAMD9):c.1972A>T (p.Asn658Tyr)

Gene: SAMD9 (sterile alpha motif domain containing 9; minus strand). Cytogenetic location: 7q21.2.
Variant type: single nucleotide variant.
Coding change: c.1972A>T on transcript NM_017654.4 (MANE Select); coding-DNA position 1972, A replaced by T.
Protein change: p.Asn658Tyr; replaces asparagine 658 with tyrosine.
Molecular consequence: missense variant.
Genome position (GRCh38, 1-based): chr7:93,104,126, T>A on the plus strand (A>T on the coding strand, the complement: SAMD9 is on the minus strand). VCF-style: chr7-93104126-T-A. GRCh37 (hg19) VCF-style: chr7-92733439-T-A.
Other names: c.1972A>T, p.Asn658Tyr (NM_001193307.2); short protein forms N658Y.
Identifiers: ClinVar variation 4629931 (VCV004629931.1).

ClinVar aggregate classification (germline): Uncertain significance (1 of 4 stars; one submission).

Conditions:
Inborn genetic diseases. Identifiers: MedGen C0950123, MeSH D030342.

Submission:

Ambry Genetics
Classification: Uncertain significance for Inborn genetic diseases. Last evaluated: 2025-11-08. Review status: criteria provided, single submitter. Criteria: Ambry Variant Classification Scheme 2023. Collection method: clinical testing. Allele origin: germline.
Comment: The p.N658Y variant (also known as c.1972A>T), located in coding exon 1 of the SAMD9 gene, results from an A to T substitution at nucleotide position 1972. The asparagine at codon 658 is replaced by tyrosine, an amino acid with dissimilar properties. This amino acid position is conserved. In addition, the in silico prediction for this alteration is inconclusive. Based on the available evidence, the clinical significance of this variant remains unclear.